The following is an entry in ClinVar:

NM_001256789.3(CACNA1F):c.2650C>T (p.Arg884Ter)

Gene: CACNA1F (calcium voltage-gated channel subunit alpha1 F; minus strand). Cytogenetic location: Xp11.23.
Variant type: single nucleotide variant.
Coding change: c.2650C>T on transcript NM_001256789.3 (MANE Select); coding-DNA position 2650, C replaced by T.
Protein change: p.Arg884Ter; replaces arginine 884 with a stop codon.
Molecular consequence: nonsense.
Genome position (GRCh38, 1-based): chrX:49,219,344, G>A on the plus strand (C>T on the coding strand, the complement: CACNA1F is on the minus strand). VCF-style: chrX-49219344-G-A. GRCh37 (hg19) VCF-style: chrX-49075803-G-A.
Other names: c.2488C>T, p.Arg830Ter (NM_001256790.3); c.2683C>T, p.Arg895Ter (NM_005183.4); short protein forms R830*, R884*, R895*.
Identifiers: ClinVar variation 11617 (VCV000011617.8), dbSNP rs122456135, ClinGen allele CA255942.

ClinVar aggregate classification (germline): Pathogenic. Review status: criteria provided, multiple submitters, no conflicts (2 of 4 stars). 6 submissions from 6 submitters: Pathogenic (2). 4 of the submissions do not count toward it. Last evaluated 2025-08-18.

Conditions:
Congenital stationary night blindness 2A (CSNB2A). Also called: CACNA1F-Related X-Linked Congenital Stationary Night Blindness; CSNB, INCOMPLETE, X-LINKED; NIGHT BLINDNESS, CONGENITAL STATIONARY, TYPE 2; Night blindness, congenital stationary (incomplete), 2A, X-linked. Identifiers: Orphanet 215, MedGen C1848172, MONDO:0010241, OMIM 300071.
CACNA1F-related disorder. Also called: CACNA1F-related condition.
Congenital stationary night blindness. Also called: Early-onset non-progressive night blindness. Identifiers: Orphanet 215, MedGen C0339535, MONDO:0016293, HP:0007642.

Submissions (6):

Labcorp Genetics (formerly Invitae), Labcorp
Classification: Pathogenic. Last evaluated: 2025-08-18. Review status: criteria provided, single submitter. Criteria: Invitae Variant Classification Sherloc (09022015). Collection method: clinical testing. Allele origin: germline.
Comment: This sequence change creates a premature translational stop signal (p.Arg895*) in the CACNA1F gene. It is expected to result in an absent or disrupted protein product. Loss-of-function variants in CACNA1F are known to be pathogenic (PMID: 9662399, 11281458, 17525176, 22194652, 24124559, 26992781). This variant is not present in population databases (gnomAD no frequency). This premature translational stop signal has been observed in individual(s) with X-linked congenital stationary night blindness (PMID: 9662400). This variant is also known as R830X. ClinVar contains an entry for this variant (Variation ID: 11617). For these reasons, this variant has been classified as Pathogenic.

Blueprint Genetics
Classification: Pathogenic for CACNA1F-related disorders. Last evaluated: 2022-11-04. Review status: criteria provided, single submitter. Criteria: ACMG Guidelines, 2015. Collection method: clinical testing. Allele origin: germline. Affected: yes. Observed: 5 variant alleles.

Sharon lab, Hadassah-Hebrew University Medical Center
Classification: Pathogenic for Congenital stationary night blindness. Last evaluated: 2019-06-23. Review status: no assertion criteria provided. Collection method: research. Allele origin: inherited. Affected: yes. Not counted in ClinVar's aggregate classification.

OMIM
Classification: Pathogenic for NIGHT BLINDNESS, CONGENITAL STATIONARY, TYPE 2A. Last evaluated: 1998-07-01. Review status: no assertion criteria provided. Collection method: literature only. Allele origin: germline. Not counted in ClinVar's aggregate classification.

Clinical Genetics, Academic Medical Center
Classification: Pathogenic. Review status: no assertion criteria provided. Collection method: clinical testing. Allele origin: germline. Affected: yes. Study: VKGL Data-share Consensus. Not counted in ClinVar's aggregate classification.

Joint Genome Diagnostic Labs from Nijmegen and Maastricht, Radboudumc and MUMC+
Classification: Pathogenic. Review status: no assertion criteria provided. Collection method: clinical testing. Allele origin: germline. Affected: yes. Study: VKGL Data-share Consensus. Not counted in ClinVar's aggregate classification.

Literature cited by the submitters: PubMed 9662399 (cited by Labcorp Genetics (formerly Invitae), Labcorp); PubMed 11281458 (cited by Labcorp Genetics (formerly Invitae), Labcorp); PubMed 17525176 (cited by Labcorp Genetics (formerly Invitae), Labcorp); PubMed 22194652 (cited by Labcorp Genetics (formerly Invitae), Labcorp); PubMed 24124559 (cited by Labcorp Genetics (formerly Invitae), Labcorp); PubMed 26992781 (cited by Labcorp Genetics (formerly Invitae), Labcorp); PubMed 9662400 (cited by Labcorp Genetics (formerly Invitae), Labcorp and OMIM).